The following is an entry in ClinVar:

ClinVar aggregate classification (germline): Pathogenic/Likely pathogenic. Review status: criteria provided, multiple submitters, no conflicts (2 of 4 stars). 3 submissions from 3 submitters: Pathogenic (2); Likely pathogenic (1). Last evaluated 2024-04-22.

Conditions:
SLC35A2-congenital disorder of glycosylation. Also called: DEVELOPMENTAL AND EPILEPTIC ENCEPHALOPATHY 22; SLC35A2-CDG; CONGENITAL DISORDER OF GLYCOSYLATION, TYPE IIm; CDG IIm; CONGENITAL DISORDER OF GLYCOSYLATION, TYPE IIm, SOMATIC MOSAIC; EPILEPTIC ENCEPHALOPATHY, EARLY INFANTILE, 22. Identifiers: Orphanet 356961, MedGen C3806688, MONDO:0010478, OMIM 300896.

Submissions (3):

Labcorp Genetics (formerly Invitae), Labcorp
Classification: Pathogenic for SLC35A2-congenital disorder of glycosylation. Last evaluated: 2024-04-22. Review status: criteria provided, single submitter. Criteria: Invitae Variant Classification Sherloc (09022015). Collection method: clinical testing. Allele origin: germline.
Comment: This sequence change affects the initiator methionine of the SLC35A2 mRNA. The next in-frame methionine is located at codon 73. This variant is not present in population databases (gnomAD no frequency). Disruption of the initiator codon has been observed in individual(s) with SLC35A2-related conditions (PMID: 23561849, 30910375). In at least one individual the variant was observed to be de novo. ClinVar contains an entry for this variant (Variation ID: 392100). For these reasons, this variant has been classified as Pathogenic.

Institute of Human Genetics, University of Leipzig Medical Center
Classification: Likely pathogenic for SLC35A2-congenital disorder of glycosylation. Last evaluated: 2022-08-10. Review status: criteria provided, single submitter. Criteria: ACMG Guidelines, 2015. Collection method: clinical testing. Allele origin: de novo. Affected: yes.
Comment: This variant was identified as de novo (maternity and paternity confirmed)._x000D_ Criteria applied: PS2, PVS1_MOD, PS4_MOD, PM2_SUP

GeneDx
Classification: Pathogenic. Last evaluated: 2021-03-08. Review status: criteria provided, single submitter. Criteria: GeneDx Variant Classification Process June 2021. Collection method: clinical testing. Allele origin: germline. Affected: yes.
Comment: Initiation codon variant in a gene for which loss-of-function is a known mechanism of disease; Not observed in large population cohorts (Lek et al., 2016); This variant is associated with the following publications: (PMID: 30817854, 30910375, 31994750)

Literature cited by the submitters: PubMed 23561849 (cited by Labcorp Genetics (formerly Invitae), Labcorp); PubMed 30910375 (cited by Labcorp Genetics (formerly Invitae), Labcorp).

NM_005660.3(SLC35A2):c.1A>G (p.Met1Val)

Gene: SLC35A2 (solute carrier family 35 member A2; minus strand). Cytogenetic location: Xp11.23.
Variant type: single nucleotide variant.
Coding change: c.1A>G on transcript NM_005660.3 (MANE Select); coding-DNA position 1, A replaced by G.
Protein change: p.Met1Val; changes the start codon (methionine 1).
Molecular consequence: missense variant, initiator codon variant. On other transcripts: intron variant (1).
Genome position (GRCh38, 1-based): chrX:48,911,636, T>C on the plus strand (A>G on the coding strand, the complement: SLC35A2 is on the minus strand). VCF-style: chrX-48911636-T-C. GRCh37 (hg19) VCF-style: chrX-48768913-T-C.
Other names: c.1A>G, p.Met1Val (NM_001032289.3, NM_001042498.3, NM_001282647.2 and 3 more transcripts); c.19+223A>G (NM_001282648.2); short protein forms M1V.
Identifiers: ClinVar variation 392100 (VCV000392100.7), dbSNP rs1042469070, ClinGen allele CA16608936.